The following is an entry in ClinVar:

NM_002734.5(PRKAR1A):c.130G>A (p.Glu44Lys)

Gene: PRKAR1A (protein kinase cAMP-dependent type I regulatory subunit alpha; plus strand). Cytogenetic location: 17q24.2.
Variant type: single nucleotide variant.
Coding change: c.130G>A on transcript NM_002734.5 (MANE Select); coding-DNA position 130, G replaced by A.
Protein change: p.Glu44Lys; replaces glutamic acid 44 with lysine.
Molecular consequence: missense variant.
Genome position (GRCh38, 1-based): chr17:68,515,529, G>A. VCF-style: chr17-68515529-G-A. GRCh37 (hg19) VCF-style: chr17-66511670-G-A.
Other names: c.130G>A, p.Glu44Lys (NM_001276289.2, NM_001276290.1, NM_001278433.2 and 4 more transcripts); short protein forms E44K.
Identifiers: ClinVar variation 5027324 (VCV005027324.1).

ClinVar aggregate classification (germline): Uncertain significance (1 of 4 stars; one submission).

Conditions:
Hereditary cancer-predisposing syndrome. Also called: Neoplastic Syndromes, Hereditary; Tumor predisposition; Hereditary neoplastic syndrome; Hereditary Cancer Syndrome. Identifiers: Orphanet 140162, MedGen C0027672, MeSH D009386, MONDO:0015356.

Submission:

Ambry Genetics
Classification: Uncertain significance for Hereditary cancer-predisposing syndrome. Last evaluated: 2026-07-07. Review status: criteria provided, single submitter. Criteria: Ambry Variant Classification Scheme 2023. Collection method: clinical testing. Allele origin: germline.
Comment: The p.E44K variant (also known as c.130G>A), located in coding exon 1 of the PRKAR1A gene, results from a G to A substitution at nucleotide position 130. The glutamic acid at codon 44 is replaced by lysine, an amino acid with similar properties. This amino acid position is conserved. In addition, the in silico prediction for this alteration is inconclusive. Based on the available evidence, the clinical significance of this variant remains unclear.